The following is an entry in ClinVar:

NM_004304.5(ALK):c.2165G>T (p.Gly722Val)

Gene: ALK (ALK receptor tyrosine kinase; minus strand). Cytogenetic location: 2p23.2.
Variant type: single nucleotide variant.
Coding change: c.2165G>T on transcript NM_004304.5 (MANE Select); coding-DNA position 2165, G replaced by T.
Protein change: p.Gly722Val; replaces glycine 722 with valine.
Molecular consequence: missense variant.
Genome position (GRCh38, 1-based): chr2:29,251,144, C>A on the plus strand (G>T on the coding strand, the complement: ALK is on the minus strand). VCF-style: chr2-29251144-C-A. GRCh37 (hg19) VCF-style: chr2-29474010-C-A.
Other names: short protein forms G722V.
Identifiers: ClinVar variation 4834255 (VCV004834255.1).

ClinVar aggregate classification (germline): Uncertain significance (1 of 4 stars; one submission).

Conditions:
Hereditary cancer-predisposing syndrome. Also called: Neoplastic Syndromes, Hereditary; Tumor predisposition; Hereditary Cancer Syndrome; Hereditary neoplastic syndrome. Identifiers: Orphanet 140162, MedGen C0027672, MeSH D009386, MONDO:0015356.

Submission:

Ambry Genetics
Classification: Uncertain significance for Hereditary cancer-predisposing syndrome. Last evaluated: 2025-12-28. Review status: criteria provided, single submitter. Criteria: Ambry Variant Classification Scheme 2023. Collection method: clinical testing. Allele origin: germline.
Comment: The p.G722V variant (also known as c.2165G>T), located in coding exon 12 of the ALK gene, results from a G to T substitution at nucleotide position 2165. The glycine at codon 722 is replaced by valine, an amino acid with dissimilar properties. This amino acid position is conserved. In addition, this alteration is predicted to be deleterious by in silico analysis. Based on the available evidence, the clinical significance of this variant remains unclear.